The following is an entry in ClinVar:

NM_024529.5(CDC73):c.131G>T (p.Gly44Val)

Gene: CDC73 (cell division cycle 73; plus strand). Cytogenetic location: 1q31.2.
Variant type: single nucleotide variant.
Coding change: c.131G>T on transcript NM_024529.5 (MANE Select); coding-DNA position 131, G replaced by T.
Protein change: p.Gly44Val; replaces glycine 44 with valine.
Molecular consequence: missense variant.
Genome position (GRCh38, 1-based): chr1:193,122,331, G>T. VCF-style: chr1-193122331-G-T. GRCh37 (hg19) VCF-style: chr1-193091461-G-T.
Other names: short protein forms G44V.
Identifiers: ClinVar variation 2020100 (VCV002020100.4), dbSNP rs2103111787, ClinGen allele CA343973014.

ClinVar aggregate classification (germline): Uncertain significance (1 of 4 stars; one submission).

Conditions:
Parathyroid carcinoma (PRTC). Also called: CDC73-Related Parathyroid Carcinoma; Parathyroid gland carcinoma. Identifiers: Orphanet 143, MedGen C0687150, MONDO:0012004, OMIM 608266, HP:0006780.

Submission:

Labcorp Genetics (formerly Invitae), Labcorp
Classification: Uncertain significance for Parathyroid carcinoma. Last evaluated: 2022-07-29. Review status: criteria provided, single submitter. Criteria: Invitae Variant Classification Sherloc (09022015). Collection method: clinical testing. Allele origin: germline.
Comment: In summary, the available evidence is currently insufficient to determine the role of this variant in disease. Therefore, it has been classified as a Variant of Uncertain Significance. This sequence change replaces glycine, which is neutral and non-polar, with valine, which is neutral and non-polar, at codon 44 of the CDC73 protein (p.Gly44Val). This variant also falls at the last nucleotide of exon 1, which is part of the consensus splice site for this exon. This variant is not present in population databases (gnomAD no frequency). This variant has not been reported in the literature in individuals affected with CDC73-related conditions. Algorithms developed to predict the effect of missense changes on protein structure and function are either unavailable or do not agree on the potential impact of this missense change (SIFT: "Deleterious"; PolyPhen-2: "Possibly Damaging"; Align-GVGD: "Class C0"). Variants that disrupt the consensus splice site are a relatively common cause of aberrant splicing (PMID: 17576681, 9536098). Algorithms developed to predict the effect of sequence changes on RNA splicing suggest that this variant may create or strengthen a splice site.

Literature cited by the submitters: PubMed 17576681; PubMed 9536098.